The following is an entry in ClinVar:

NM_001942.4(DSG1):c.2815A>G (p.Met939Val)

Genes: DSG1 (desmoglein 1; plus strand), DSG1-AS1 (DSG1 antisense RNA 1; minus strand). Cytogenetic location: 18q12.1.
Variant type: single nucleotide variant.
Coding change: c.2815A>G on transcript NM_001942.4 (MANE Select); coding-DNA position 2815, A replaced by G.
Protein change: p.Met939Val; replaces methionine 939 with valine.
Molecular consequence: missense variant.
Genome position (GRCh38, 1-based): chr18:31,355,011, A>G. VCF-style: chr18-31355011-A-G. GRCh37 (hg19) VCF-style: chr18-28934974-A-G.
Other names: short protein forms M939V.
Identifiers: ClinVar variation 1964773 (VCV001964773.5), dbSNP rs2510846238, ClinGen allele CA402124664.
Genomic context (GRCh38, chr18:31,355,011, plus strand): 5'-AATGTGGTAGTGACAGAAAGAGTAATCCAACCAACTTCCGGCATGATAGGTAGTCTGAGT[A>G]TGCACCCCGAGTTAGCCAATGCCCACAATGTCATTGTGACAGAGAGGGTTGTTTCTGGTG-3'
Protein context (NP_001933.2, residues 929-949): PTSGMIGSLS[Met939Val]HPELANAHNV

ClinVar aggregate classification (germline): Uncertain significance (1 of 4 stars; one submission).

Submission:

Labcorp Genetics (formerly Invitae), Labcorp
Classification: Uncertain significance. Last evaluated: 2023-03-23. Review status: criteria provided, single submitter. Criteria: Invitae Variant Classification Sherloc (09022015). Collection method: clinical testing. Allele origin: germline.
Comment: This sequence change replaces methionine, which is neutral and non-polar, with valine, which is neutral and non-polar, at codon 939 of the DSG1 protein (p.Met939Val). In summary, the available evidence is currently insufficient to determine the role of this variant in disease. Therefore, it has been classified as a Variant of Uncertain Significance. Algorithms developed to predict the effect of missense changes on protein structure and function output the following: SIFT: "Not Available"; PolyPhen-2: "Benign"; Align-GVGD: "Not Available". The valine amino acid residue is found in multiple mammalian species, which suggests that this missense change does not adversely affect protein function. ClinVar contains an entry for this variant (Variation ID: 1964773). This variant has not been reported in the literature in individuals affected with DSG1-related conditions. This variant is not present in population databases (gnomAD no frequency).